The following is an entry in ClinVar:

NM_001042492.3(NF1):c.3303G>A (p.Gln1101=)

Gene: NF1 (neurofibromin 1; plus strand). Cytogenetic location: 17q11.2.
Variant type: single nucleotide variant.
Coding change: c.3303G>A on transcript NM_001042492.3 (MANE Select); coding-DNA position 3303, G replaced by A.
Protein change: p.Gln1101=; no amino-acid change (glutamine 1101 retained).
Molecular consequence: synonymous variant.
Genome position (GRCh38, 1-based): chr17:31,232,178, G>A. VCF-style: chr17-31232178-G-A. GRCh37 (hg19) VCF-style: chr17-29559196-G-A.
Other names: c.3303G>A, p.Gln1101= (NM_000267.4).
Identifiers: ClinVar variation 232714 (VCV000232714.25), dbSNP rs876659944, ClinGen allele CA10580279.
Genomic context (GRCh38, chr17:31,232,178, plus strand): 5'-TGGTCTCCCTCTGCAGCCTGAAGAAGGAGATGGTGTGGAATTGATGGAAGCCAAATCACA[G>A]TTATTTCTTAAGTAAATTTCAGTCACCAAAAAACATAAAGCAAAAAGCAAATAAAGCCCC-3'
Protein context (NP_001035957.1, residues 1091-1111): DGVELMEAKS[Gln1101=]LFLKYFTLFM

ClinVar aggregate classification (germline): Conflicting classifications of pathogenicity. Review status: criteria provided, conflicting classifications (1 of 4 stars). 12 submissions from 9 submitters: Uncertain significance (6); Benign (1); Likely benign (5). Last evaluated 2026-07-17.

Conditions:
NF1-related disorder. Also called: NF1-related condition. Identifiers: MedGen CN379171.
Hereditary cancer-predisposing syndrome. Also called: Neoplastic Syndromes, Hereditary; Tumor predisposition; Hereditary Cancer Syndrome; Hereditary neoplastic syndrome. Identifiers: Orphanet 140162, MedGen C0027672, MeSH D009386, MONDO:0015356.
Neurofibromatosis-Noonan syndrome (NFNS). Also called: NEUROFIBROMATOSIS WITH NOONAN PHENOTYPE. Identifiers: Orphanet 638, MedGen C2931482, MONDO:0011035, OMIM 601321. Disease mechanism: loss of function.
Café-au-lait macules with pulmonary stenosis (WTSN). Also called: PULMONIC STENOSIS WITH CAFE-AU-LAIT SPOTS. Identifiers: MedGen C0553586, MONDO:0008672, OMIM 193520.
Neurofibromatosis, familial spinal (FSNF). Identifiers: Orphanet 636, MedGen C1834235, MONDO:0008078, OMIM 162210. Disease mechanism: loss of function.
Neurofibromatosis, type 1 (NF1). Also called: NEUROFIBROMATOSIS, TYPE I, SOMATIC; Peripheral type neurofibromatosis; Neurofibromatosis, type I; VON RECKLINGHAUSEN DISEASE. Identifiers: Orphanet 636, MedGen C0027831, MONDO:0018975, OMIM 162200. Disease mechanism: loss of function.

Allele frequency attached by ClinVar (database versions not stated): gnomAD 0.00001; gnomAD exomes 0.00001; TOPMed 0.00001.
gnomAD v4.1: 16 of 1,598,520 alleles (0.001%); highest among the groups gnomAD compares: Admixed American, 0.0017%; no homozygotes.

Submissions (12):

PreventionGenetics, part of Exact Sciences
Classification: Likely benign for NF1-related condition. Last evaluated: 2026-07-17. Review status: criteria provided, single submitter. Criteria: ACMG Guidelines, 2015. Collection method: clinical testing. Allele origin: germline.
Comment: This variant is classified as likely benign based on ACMG/AMP sequence variant interpretation guidelines (Richards et al. 2015 PMID: 25741868, with internal and published modifications).

Myriad Genetics, Inc.
Classification: Benign for Neurofibromatosis, type 1. Last evaluated: 2026-05-20. Review status: criteria provided, single submitter. Criteria: Myriad Autosomal Dominant, Autosomal Recessive and X-Linked Classification Criteria (2023). Collection method: clinical testing. Allele origin: unknown.
Comment: This variant is considered benign. This variant is a silent/synonymous amino acid change and it is not expected to impact splicing.

Labcorp Genetics (formerly Invitae), Labcorp
Classification: Likely benign for Neurofibromatosis, type 1. Last evaluated: 2025-12-13. Review status: criteria provided, single submitter. Criteria: Invitae Variant Classification Sherloc (09022015). Collection method: clinical testing. Allele origin: germline.

Blueprint Genetics
Classification: Uncertain significance. Last evaluated: 2024-11-25. Review status: criteria provided, single submitter. Criteria: ACMG Guidelines, 2015. Collection method: clinical testing. Allele origin: germline.

Women's Health and Genetics/Laboratory Corporation of America, LabCorp
Classification: Likely benign. Last evaluated: 2022-02-26. Review status: criteria provided, single submitter. Criteria: LabCorp Variant Classification Summary - May 2015. Collection method: clinical testing. Allele origin: germline.

Sema4
Classification: Uncertain significance for Hereditary cancer-predisposing syndrome. Last evaluated: 2021-09-05. Review status: criteria provided, single submitter. Criteria: Sema4 Curation Guidelines. Collection method: curation. Allele origin: germline.
Comment: The NF1 c.3303G>A (p.Q1101=) variant has not been reported in the literature to our knowledge. It was observed in 2/251246 chromosomes in the large and broad cohorts of the Genome Aggregation Database (PMID: 32461654). The variant has been reported in ClinVar (Variation ID 232714). In silico tools suggest that the variant may have an impact on splicing, though these predictions have not been confirmed by functional studies. The evidence is insufficient to meet ACMG/AMP criteria for classifying the variant as benign or pathogenic. Thus, the clinical significance of this variant is currently uncertain.

GeneDx
Classification: Likely benign. Last evaluated: 2019-04-03. Review status: criteria provided, single submitter. Criteria: GeneDx Variant Classification Process June 2021. Collection method: clinical testing. Allele origin: germline. Affected: yes.

Illumina Laboratory Services, Illumina
Classification: Uncertain significance for Neurofibromatosis, type 1. Last evaluated: 2018-01-13. Review status: criteria provided, single submitter. Criteria: ICSL Variant Classification Criteria 13 December 2019. Collection method: clinical testing. Allele origin: germline.

Illumina Laboratory Services, Illumina
Classification: Uncertain significance for Neurofibromatosis-Noonan syndrome. Last evaluated: 2018-01-13. Review status: criteria provided, single submitter. Criteria: ICSL Variant Classification Criteria 13 December 2019. Collection method: clinical testing. Allele origin: germline.

Illumina Laboratory Services, Illumina
Classification: Uncertain significance for Café-au-lait macules with pulmonary stenosis. Last evaluated: 2018-01-13. Review status: criteria provided, single submitter. Criteria: ICSL Variant Classification Criteria 13 December 2019. Collection method: clinical testing. Allele origin: germline.

Illumina Laboratory Services, Illumina
Classification: Uncertain significance for Neurofibromatosis, familial spinal. Last evaluated: 2018-01-13. Review status: criteria provided, single submitter. Criteria: ICSL Variant Classification Criteria 13 December 2019. Collection method: clinical testing. Allele origin: germline.

Ambry Genetics
Classification: Likely benign for Hereditary cancer-predisposing syndrome. Last evaluated: 2015-07-08. Review status: criteria provided, single submitter. Criteria: Ambry Autosomal Dominant and X-Linked criteria (10/2015). Collection method: clinical testing. Allele origin: germline. Observed: 1 variant allele.
Comment: Synonymous alterations with insufficient evidence to classify as benign

Literature cited by the submitters: PubMed 10678181 (cited by Women's Health and Genetics/Laboratory Corporation of America, LabCorp); PubMed 23460398 (cited by Women's Health and Genetics/Laboratory Corporation of America, LabCorp); PubMed 29872168 (cited by Women's Health and Genetics/Laboratory Corporation of America, LabCorp); PubMed 27069254 (cited by Women's Health and Genetics/Laboratory Corporation of America, LabCorp).